The following is an entry in ClinVar:

ClinVar aggregate classification (germline): Uncertain significance (1 of 4 stars; one submission).

Conditions:
Hypokalemic periodic paralysis, type 1. Also called: HypoPP; Hypokalemic Periodic Paralysis Type 1 (AD). Identifiers: Orphanet 681, MedGen C3714580, MONDO:0042979, OMIM 170400.
Malignant hyperthermia, susceptibility to, 5 (MHS5). Also called: CACNA1S-Related Malignant Hyperthermia Susceptibility. Identifiers: Orphanet 423, MedGen C1866077, MONDO:0011163, OMIM 601887.

gnomAD v4.1: 6 of 1,614,260 alleles (0.00037%); highest among the groups gnomAD compares: Non-Finnish European, 0.00051%; no homozygotes.

Submission:

Labcorp Genetics (formerly Invitae), Labcorp
Classification: Uncertain significance for Hypokalemic periodic paralysis, type 1; Malignant hyperthermia, susceptibility to, 5. Last evaluated: 2025-02-27. Review status: criteria provided, single submitter. Criteria: Invitae Variant Classification Sherloc (09022015). Collection method: clinical testing. Allele origin: germline.
Comment: This sequence change replaces leucine, which is neutral and non-polar, with valine, which is neutral and non-polar, at codon 604 of the CACNA1S protein (p.Leu604Val). This variant is not present in population databases (gnomAD no frequency). This variant has not been reported in the literature in individuals affected with CACNA1S-related conditions. Invitae Evidence Modeling of protein sequence and biophysical properties (such as structural, functional, and spatial information, amino acid conservation, physicochemical variation, residue mobility, and thermodynamic stability) has been performed for this missense variant. However, the output from this modeling did not meet the statistical confidence thresholds required to predict the impact of this variant on CACNA1S protein function. In summary, the available evidence is currently insufficient to determine the role of this variant in disease. Therefore, it has been classified as a Variant of Uncertain Significance.

NM_000069.3(CACNA1S):c.1810C>G (p.Leu604Val)

Gene: CACNA1S (calcium voltage-gated channel subunit alpha1 S; minus strand). Cytogenetic location: 1q32.1.
Variant type: single nucleotide variant.
Coding change: c.1810C>G on transcript NM_000069.3 (MANE Select); coding-DNA position 1810, C replaced by G.
Protein change: p.Leu604Val; replaces leucine 604 with valine.
Molecular consequence: missense variant.
Genome position (GRCh38, 1-based): chr1:201,076,937, G>C on the plus strand (C>G on the coding strand, the complement: CACNA1S is on the minus strand). VCF-style: chr1-201076937-G-C. GRCh37 (hg19) VCF-style: chr1-201046065-G-C.
Other names: short protein forms L604V.
Identifiers: ClinVar variation 4794160 (VCV004794160.1).